The following is an entry in ClinVar:

NM_002633.3(PGM1):c.294T>A (p.Ala98=)

Gene: PGM1 (phosphoglucomutase 1; plus strand). Cytogenetic location: 1p31.3.
Variant type: single nucleotide variant.
Coding change: c.294T>A on transcript NM_002633.3 (MANE Select); coding-DNA position 294, T replaced by A.
Protein change: p.Ala98=; no amino-acid change (alanine 98 retained).
Molecular consequence: synonymous variant. On other transcripts: 5 prime UTR variant (1).
Genome position (GRCh38, 1-based): chr1:63,629,472, T>A. VCF-style: chr1-63629472-T-A. GRCh37 (hg19) VCF-style: chr1-64095143-T-A.
Other names: c.348T>A, p.Ala116= (NM_001172818.1); c.-298T>A (NM_001172819.2).
Identifiers: ClinVar variation 513808 (VCV000513808.15), dbSNP rs777459281, ClinGen allele CA889505.

ClinVar aggregate classification (germline): Likely benign. Review status: criteria provided, multiple submitters, no conflicts (2 of 4 stars). 3 submissions from 3 submitters: Likely benign (2). 1 of the submissions does not count toward it. Last evaluated 2026-01-26.

Conditions:
PGM1-related disorder. Also called: PGM1-related disorders; PGM1-related condition.
PGM1-congenital disorder of glycosylation. Also called: PHOSPHOGLUCOMUTASE 1 DEFICIENCY; PGM1 DEFICIENCY; GLYCOGEN STORAGE DISEASE XIV; GSD XIV; Congenital disorder of glycosylation type 1t; CDG It. Identifiers: Orphanet 319646, MedGen C2752015, MONDO:0013968, OMIM 614921.

Allele frequency attached by ClinVar (database versions not stated): TOPMed 0.00009; gnomAD 0.00010; gnomAD exomes 0.00011 and 0.00015; ExAC 0.00012.
gnomAD v4.1: 226 of 1,613,690 alleles (0.014%); highest among the groups gnomAD compares: Non-Finnish European, 0.019%; 1 homozygote.

Submissions (4):

Labcorp Genetics (formerly Invitae), Labcorp
Classification: Likely benign for PGM1-congenital disorder of glycosylation. Last evaluated: 2026-01-26. Review status: criteria provided, single submitter. Criteria: Invitae Variant Classification Sherloc (09022015). Collection method: clinical testing. Allele origin: germline.

GeneDx
Classification: Likely benign. Last evaluated: 2020-01-10. Review status: criteria provided, single submitter. Criteria: GeneDx Variant Classification Process June 2021. Collection method: clinical testing. Allele origin: germline. Affected: yes.

PreventionGenetics, part of Exact Sciences
Classification: Likely benign for PGM1-related condition. Last evaluated: 2024-07-09. Review status: no assertion criteria provided. Collection method: clinical testing. Allele origin: germline. Not counted in ClinVar's aggregate classification.
Comment: This variant is classified as likely benign based on ACMG/AMP sequence variant interpretation guidelines (Richards et al. 2015 PMID: 25741868, with internal and published modifications).

Dr. Peter K. Rogan Lab, Western University
No classification provided (evidence only). Condition: Familial cancer of breast. Review status: no classification provided. Collection method: in vitro. Allele origin: not applicable. Functional consequence: retained intron. Not counted in ClinVar's aggregate classification.